The following is an entry in ClinVar:

ClinVar aggregate classification (germline): Uncertain significance. Review status: criteria provided, multiple submitters, no conflicts (2 of 4 stars). 2 submissions from 2 submitters: Uncertain significance (2). Last evaluated 2024-11-13.

Conditions:
Immunodeficiency 25. Also called: Immunodeficiency due to defect in cd3-zeta, somatic. Identifiers: MedGen C1857798, MONDO:0012426, OMIM 610163.

Allele frequency attached by ClinVar (database versions not stated): TOPMed below 0.00001; gnomAD 0.00001; gnomAD exomes 0.00001; ExAC 0.00002.

Submissions (2):

Ambry Genetics
Classification: Uncertain significance. Last evaluated: 2024-11-13. Review status: criteria provided, single submitter. Criteria: Ambry Variant Classification Scheme 2023. Collection method: clinical testing. Allele origin: germline.

Labcorp Genetics (formerly Invitae), Labcorp
Classification: Uncertain significance for Immunodeficiency 25. Last evaluated: 2022-06-25. Review status: criteria provided, single submitter. Criteria: Invitae Variant Classification Sherloc (09022015). Collection method: clinical testing. Allele origin: germline.
Comment: This sequence change replaces alanine, which is neutral and non-polar, with threonine, which is neutral and polar, at codon 9 of the CD247 protein (p.Ala9Thr). This variant is present in population databases (rs750366836, gnomAD 0.005%). This variant has not been reported in the literature in individuals affected with CD247-related conditions. Algorithms developed to predict the effect of missense changes on protein structure and function output the following: SIFT: "Tolerated"; PolyPhen-2: "Benign"; Align-GVGD: "Class C0". The threonine amino acid residue is found in multiple mammalian species, which suggests that this missense change does not adversely affect protein function. In summary, the available evidence is currently insufficient to determine the role of this variant in disease. Therefore, it has been classified as a Variant of Uncertain Significance.

NM_198053.3(CD247):c.25G>A (p.Ala9Thr)

Gene: CD247 (CD247 molecule; minus strand). Cytogenetic location: 1q24.2.
Variant type: single nucleotide variant.
Coding change: c.25G>A on transcript NM_198053.3 (MANE Select); coding-DNA position 25, G replaced by A.
Protein change: p.Ala9Thr; replaces alanine 9 with threonine.
Molecular consequence: missense variant.
Genome position (GRCh38, 1-based): chr1:167,518,441, C>T on the plus strand (G>A on the coding strand, the complement: CD247 is on the minus strand). VCF-style: chr1-167518441-C-T. GRCh37 (hg19) VCF-style: chr1-167487678-C-T.
Other names: c.25G>A, p.Ala9Thr (NM_000734.4, NM_001378515.1, NM_001378516.1); short protein forms A9T.
Identifiers: ClinVar variation 1935351 (VCV001935351.3), dbSNP rs750366836, ClinGen allele CA1226146.